The following is an entry in ClinVar:

NM_000048.4(ASL):c.388T>C (p.Ser130Pro)

Gene: ASL (argininosuccinate lyase; plus strand). Cytogenetic location: 7q11.21.
Variant type: single nucleotide variant.
Coding change: c.388T>C on transcript NM_000048.4 (MANE Select); coding-DNA position 388, T replaced by C.
Protein change: p.Ser130Pro; replaces serine 130 with proline.
Molecular consequence: missense variant.
Genome position (GRCh38, 1-based): chr7:66,083,116, T>C. VCF-style: chr7-66083116-T-C. GRCh37 (hg19) VCF-style: chr7-65548103-T-C.
Other names: c.388T>C, p.Ser130Pro (NM_001024943.2, NM_001024944.2, NM_001024946.2); short protein forms S130P.
Identifiers: ClinVar variation 2110420 (VCV002110420.1), dbSNP rs770853301, ClinGen allele CA367639352.

ClinVar aggregate classification (germline): Uncertain significance (1 of 4 stars; one submission).

Conditions:
Argininosuccinate lyase deficiency. Also called: ARGININOSUCCINIC ACID LYASE DEFICIENCY; ASL DEFICIENCY; Argininosuccinic aciduria. Identifiers: Orphanet 23, MedGen C0268547, MONDO:0008815, OMIM 207900, HP:0025630.

Submission:

Labcorp Genetics (formerly Invitae), Labcorp
Classification: Uncertain significance for Argininosuccinate lyase deficiency. Last evaluated: 2022-08-25. Review status: criteria provided, single submitter. Criteria: Invitae Variant Classification Sherloc (09022015). Collection method: clinical testing. Allele origin: germline.
Comment: This sequence change replaces serine, which is neutral and polar, with proline, which is neutral and non-polar, at codon 130 of the ASL protein (p.Ser130Pro). This variant is not present in population databases (gnomAD no frequency). This missense change has been observed in individual(s) with argininosuccinate lyase deficiency (Invitae). In at least one individual the data is consistent with being in trans (on the opposite chromosome) from a pathogenic variant. Advanced modeling of protein sequence and biophysical properties (such as structural, functional, and spatial information, amino acid conservation, physicochemical variation, residue mobility, and thermodynamic stability) performed at Invitae indicates that this missense variant is not expected to disrupt ASL protein function. In summary, the available evidence is currently insufficient to determine the role of this variant in disease. Therefore, it has been classified as a Variant of Uncertain Significance.